The following is an entry in ClinVar:

NM_022089.4(ATP13A2):c.3176T>G (p.Leu1059Arg)

Gene: ATP13A2 (ATPase cation transporting 13A2; minus strand). Cytogenetic location: 1p36.13.
Variant type: single nucleotide variant.
Coding change: c.3176T>G on transcript NM_022089.4 (MANE Select); coding-DNA position 3176, T replaced by G.
Protein change: p.Leu1059Arg; replaces leucine 1059 with arginine.
Molecular consequence: missense variant.
Genome position (GRCh38, 1-based): chr1:16,986,864, A>C on the plus strand (T>G on the coding strand, the complement: ATP13A2 is on the minus strand). VCF-style: chr1-16986864-A-C. GRCh37 (hg19) VCF-style: chr1-17313359-A-C.
Other names: c.3161T>G, p.Leu1054Arg (NM_001141973.3); c.3044T>G, p.Leu1015Arg (NM_001141974.3); short protein forms L1054R, L1015R, L1059R.
Identifiers: ClinVar variation 1728485 (VCV001728485.2), dbSNP rs137853967, ClinGen allele CA18625694.

ClinVar aggregate classification (germline): Likely pathogenic (1 of 4 stars; one submission).

Conditions:
Inborn genetic diseases. Identifiers: MedGen C0950123, MeSH D030342.

Submission:

Ambry Genetics
Classification: Likely pathogenic for Inborn genetic diseases. Last evaluated: 2017-07-05. Review status: criteria provided, single submitter. Criteria: Ambry Variant Classification Scheme 2023. Collection method: clinical testing. Allele origin: germline.
Comment: The p.L1059R variant (also known as c.3176T>G), located in coding exon 27 of the ATP13A2 gene, results from a T to G substitution at nucleotide position 3176. The leucine at codon 1059 is replaced by arginine, an amino acid with dissimilar properties. This variant has been observed in trans with a frameshift mutation in two siblings with Kufor-Rakeb syndrome (KRS) and was observed to results in mislocalization of the ATP13A2 protein (Park JS et al. Hum. Mutat., 2011 Aug;32:956-64). This amino acid position is highly conserved through mammals but not in all available vertebrate species. In addition, this alteration is predicted to be deleterious by in silico analysis. Based on the majority of available evidence to date, this variant is likely to be pathogenic.

Literature cited by the submitters: PubMed 21542062; PubMed 22296644; PubMed 24399444.